The following is an entry in ClinVar:

ClinVar aggregate classification (germline): Pathogenic/Likely pathogenic. Review status: criteria provided, multiple submitters, no conflicts (2 of 4 stars). 3 submissions from 3 submitters: Pathogenic (2); Likely pathogenic (1). Last evaluated 2024-06-05.

Conditions:
Hereditary cancer-predisposing syndrome. Also called: Tumor predisposition; Hereditary neoplastic syndrome; Neoplastic Syndromes, Hereditary; Hereditary Cancer Syndrome. Identifiers: Orphanet 140162, MedGen C0027672, MeSH D009386, MONDO:0015356.
Endometrial carcinoma. Also called: Endometrial carcinoma, somatic. Identifiers: MedGen C0476089, MONDO:0002447, OMIM 608089, HP:0012114.
Lynch syndrome 5 (LYNCH5). Also called: Colorectal cancer, hereditary nonpolyposis, type 5; Hereditary non-polyposis colorectal cancer, type 5. Identifiers: Orphanet 144, MedGen C1833477, MONDO:0013710, OMIM 614350. Disease mechanism: loss of function.

Submissions (3):

Ambry Genetics
Classification: Pathogenic for Hereditary cancer-predisposing syndrome. Last evaluated: 2024-06-05. Review status: criteria provided, single submitter. Criteria: Ambry Variant Classification Scheme 2023. Collection method: clinical testing. Allele origin: germline.
Comment: The p.K543* pathogenic mutation (also known as c.1627A>T), located in coding exon 4 of the MSH6 gene, results from an A to T substitution at nucleotide position 1627. This changes the amino acid from a lysine to a stop codon within coding exon 4. This variant is considered to be rare based on population cohorts in the Genome Aggregation Database (gnomAD). This alteration is expected to result in loss of function by premature protein truncation or nonsense-mediated mRNA decay. As such, this alteration is interpreted as a disease-causing mutation.

Myriad Genetics, Inc.
Classification: Pathogenic for Lynch syndrome 5. Last evaluated: 2023-08-15. Review status: criteria provided, single submitter. Criteria: Myriad Autosomal Dominant, Autosomal Recessive and X-Linked Classification Criteria (2023). Collection method: clinical testing. Allele origin: unknown.
Comment: This variant is considered pathogenic. This variant creates a termination codon and is predicted to result in premature protein truncation.

Baylor Genetics
Classification: Likely pathogenic for Endometrial carcinoma. Last evaluated: 2022-06-15. Review status: criteria provided, single submitter. Criteria: ACMG Guidelines, 2015. Collection method: clinical testing. Allele origin: unknown.

NM_000179.3(MSH6):c.1627A>T (p.Lys543Ter)

Gene: MSH6 (mutS homolog 6; plus strand). Cytogenetic location: 2p16.3.
Variant type: single nucleotide variant.
Coding change: c.1627A>T on transcript NM_000179.3 (MANE Select); coding-DNA position 1627, A replaced by T.
Protein change: p.Lys543Ter; replaces lysine 543 with a stop codon.
Molecular consequence: nonsense. On other transcripts: non-coding transcript variant (4), intron variant (2).
Genome position (GRCh38, 1-based): chr2:47,799,610, A>T. VCF-style: chr2-47799610-A-T. GRCh37 (hg19) VCF-style: chr2-48026749-A-T.
Other names: c.1237A>T, p.Lys413Ter (NM_001281492.2); c.721A>T, p.Lys241Ter (NM_001281493.2, NM_001281494.2, NM_001406811.1 and 6 more transcripts); c.1723A>T, p.Lys575Ter (NM_001406795.1, NM_001406802.1); c.1627A>T, p.Lys543Ter (NM_001406796.1, NM_001406798.1, NM_001406800.1 and 3 more transcripts); c.1330A>T, p.Lys444Ter (NM_001406797.1, NM_001406801.1, NM_001406805.1 and 10 more transcripts); c.1102A>T, p.Lys368Ter (NM_001406799.1, NM_001406806.1, NM_001406807.1); c.1549A>T, p.Lys517Ter (NM_001406804.1); c.1633A>T, p.Lys545Ter (NM_001406813.1); and 3 more; short protein forms K241*, K368*, K413*, K444*, K487*, K517*, K543*, K545*.
Identifiers: ClinVar variation 2673791 (VCV002673791.3), dbSNP rs1572723712, ClinGen allele CA346747112.